The following is an entry in ClinVar:

ClinVar aggregate classification (germline): Uncertain significance. Review status: criteria provided, multiple submitters, no conflicts (2 of 4 stars). 2 submissions from 2 submitters: Uncertain significance (2). Last evaluated 2025-11-13.

Conditions:
Joubert syndrome. Also called: CEREBELLOPARENCHYMAL DISORDER IV; JOUBERT-BOLTSHAUSER SYNDROME; Familial aplasia of the vermis. Identifiers: Orphanet 475, MedGen C5979921, MONDO:0018772.
Meckel-Gruber syndrome. Also called: DYSENCEPHALIA SPLANCHNOCYSTICA; GRUBER SYNDROME; Dysencephalia splachnocystica. Identifiers: Orphanet 564, MedGen C0265215, MONDO:0018921.
Inborn genetic diseases. Identifiers: MedGen C0950123, MeSH D030342.

Allele frequency attached by ClinVar (database versions not stated): ExAC 0.00001; ESP Exome Variant Server 0.00008.

Submissions (2):

Ambry Genetics
Classification: Uncertain significance for Inborn genetic diseases. Last evaluated: 2025-11-13. Review status: criteria provided, single submitter. Criteria: Ambry Variant Classification Scheme 2023. Collection method: clinical testing. Allele origin: germline.

Labcorp Genetics (formerly Invitae), Labcorp
Classification: Uncertain significance for Joubert syndrome; Meckel-Gruber syndrome. Last evaluated: 2022-06-04. Review status: criteria provided, single submitter. Criteria: Invitae Variant Classification Sherloc (09022015). Collection method: clinical testing. Allele origin: germline.
Comment: In summary, the available evidence is currently insufficient to determine the role of this variant in disease. Therefore, it has been classified as a Variant of Uncertain Significance. This sequence change replaces alanine, which is neutral and non-polar, with threonine, which is neutral and polar, at codon 73 of the TMEM67 protein (p.Ala73Thr). This variant is not present in population databases (gnomAD no frequency). This variant has not been reported in the literature in individuals affected with TMEM67-related conditions. Advanced modeling of protein sequence and biophysical properties (such as structural, functional, and spatial information, amino acid conservation, physicochemical variation, residue mobility, and thermodynamic stability) performed at Invitae indicates that this missense variant is not expected to disrupt TMEM67 protein function.

NM_153704.6(TMEM67):c.217G>A (p.Ala73Thr)

Gene: TMEM67 (transmembrane protein 67; plus strand). Cytogenetic location: 8q22.1.
Variant type: single nucleotide variant.
Coding change: c.217G>A on transcript NM_153704.6 (MANE Select); coding-DNA position 217, G replaced by A.
Protein change: p.Ala73Thr; replaces alanine 73 with threonine.
Molecular consequence: missense variant. On other transcripts: 5 prime UTR variant (1), non-coding transcript variant (1).
Genome position (GRCh38, 1-based): chr8:93,755,131, G>A. VCF-style: chr8-93755131-G-A. GRCh37 (hg19) VCF-style: chr8-94767359-G-A.
Other names: c.-68G>A (NM_001142301.1); short protein forms A73T.
Identifiers: ClinVar variation 1928381 (VCV001928381.7), dbSNP rs138079446, ClinGen allele CA4807534.